The following is an entry in ClinVar:

NM_001330574.2(ZNF711):c.1882G>A (p.Asp628Asn)

Gene: ZNF711 (ZFX family zinc finger ZNF711; plus strand). Cytogenetic location: Xq21.1.
Variant type: single nucleotide variant.
Coding change: c.1882G>A on transcript NM_001330574.2 (MANE Select); coding-DNA position 1882, G replaced by A.
Protein change: p.Asp628Asn; replaces aspartic acid 628 with asparagine.
Molecular consequence: missense variant.
Genome position (GRCh38, 1-based): chrX:85,271,286, G>A. VCF-style: chrX-85271286-G-A. GRCh37 (hg19) VCF-style: chrX-84526292-G-A.
Other names: c.1882G>A, p.Asp628Asn (NM_001375431.1, NM_001375432.1, NM_001375433.1); c.1744G>A, p.Asp582Asn (NM_001375434.1, NM_001375435.1, NM_001375436.1 and 2 more transcripts); short protein forms D582N, D628N.
Identifiers: ClinVar variation 1028239 (VCV001028239.6), dbSNP rs1426575922, ClinGen allele CA413775606.

ClinVar aggregate classification (germline): Uncertain significance. Review status: criteria provided, multiple submitters, no conflicts (2 of 4 stars). 4 submissions from 4 submitters: Uncertain significance (3). 1 of the submissions does not count toward it. Last evaluated 2023-07-18.

Conditions:
Intellectual developmental disorder, X-linked 97. Also called: Intellectual disability, X-linked 97. Identifiers: Orphanet 777, MedGen C2749020, MONDO:0010430, OMIM 300803.
ZNF711-related disorder. Also called: ZNF711-related condition.

Allele frequency attached by ClinVar (database versions not stated): gnomAD exomes below 0.00001.
gnomAD v4.1: 1 of 1,210,416 alleles (0.000083%); highest among the groups gnomAD compares: South Asian, 0.0018%; no homozygotes.

Submissions (4):

Women's Health and Genetics/Laboratory Corporation of America, LabCorp
Classification: Uncertain significance. Last evaluated: 2023-07-18. Review status: criteria provided, single submitter. Criteria: LabCorp Variant Classification Summary - May 2015. Collection method: clinical testing. Allele origin: germline.
Comment: Variant summary: ZNF711 c.1744G>A (p.Asp582Asn) results in a conservative amino acid change located in one of the Zinc finger C2H2-type domains (IPR013087) of the encoded protein sequence. Four of five in-silico tools predict a benign effect of the variant on protein function. The variant was absent in 180063 control chromosomes. The available data on variant occurrences in the general population are insufficient to allow any conclusion about variant significance. c.1744G>A has been reported in the literature in an individual affected with X-Linked Intellectual Disability 97 (Alfares_2017). However, this report does not provide unequivocal conclusions about association of the variant with X-Linked Intellectual Disability 97. To our knowledge, no experimental evidence demonstrating an impact on protein function has been reported. The following publication has been ascertained in the context of this evaluation (PMID: 28454995). Two submitters have cited clinical-significance assessments for this variant to ClinVar after 2014. All submitters classified the variant as uncertain significance. Based on the evidence outlined above, the variant was classified as uncertain significance.

Revvity Omics, Revvity
Classification: Uncertain significance for Intellectual developmental disorder, X-linked 97. Last evaluated: 2021-08-03. Review status: criteria provided, single submitter. Criteria: ACMG Guidelines, 2015. Collection method: clinical testing. Allele origin: germline.

Baylor Genetics
Classification: Uncertain significance for Intellectual developmental disorder, X-linked 97. Last evaluated: 2019-11-07. Review status: criteria provided, single submitter. Criteria: ACMG Guidelines, 2015. Collection method: clinical testing. Allele origin: unknown. Affected: yes.
Comment: This variant was determined to be of uncertain significance according to ACMG Guidelines, 2015 [PMID:25741868].

PreventionGenetics, part of Exact Sciences
Classification: Uncertain significance for ZNF711-related condition. Last evaluated: 2024-05-23. Review status: no assertion criteria provided. Collection method: clinical testing. Allele origin: germline. Not counted in ClinVar's aggregate classification.
Comment: The ZNF711 c.1744G>A variant is predicted to result in the amino acid substitution p.Asp582Asn. This variant was reported in the hemizygous state in one individual with X-linked intellectual disability (Supplementary Table 2. Alfares et al. 2017. PubMed ID: 28454995). This variant has not been reported in gnomAD, indicating this variant is rare. At this time, the clinical significance of this variant is uncertain due to the absence of conclusive functional and genetic evidence.

Literature cited by the submitters: PubMed 28454995 (cited by Women's Health and Genetics/Laboratory Corporation of America, LabCorp).